The following is an entry in ClinVar:

ClinVar aggregate classification (germline): Pathogenic (1 of 4 stars; one submission).

Submission:

Labcorp Genetics (formerly Invitae), Labcorp
Classification: Pathogenic. Last evaluated: 2023-02-02. Review status: criteria provided, single submitter. Criteria: Invitae Variant Classification Sherloc (09022015). Collection method: clinical testing. Allele origin: germline.
Comment: For these reasons, this variant has been classified as Pathogenic. This variant has not been reported in the literature in individuals affected with GNPTG-related conditions. This variant is not present in population databases (gnomAD no frequency). This sequence change creates a premature translational stop signal (p.Ala6Glyfs*77) in the GNPTG gene. It is expected to result in an absent or disrupted protein product. Loss-of-function variants in GNPTG are known to be pathogenic (PMID: 19370764, 20301784).

Literature cited by the submitters: PubMed 19370764; PubMed 20301784.

NM_032520.5(GNPTG):c.16dup (p.Ala6fs)

Genes: GNPTG (N-acetylglucosamine-1-phosphate transferase subunit gamma; plus strand), LOC130058158 (ATAC-STARR-seq lymphoblastoid silent region 6972; plus strand). Cytogenetic location: 16p13.3.
Variant type: Duplication.
Coding change: c.16dup on transcript NM_032520.5 (MANE Select); coding-DNA position 16, one base duplicated (G; older notation c.16dupG).
Protein change: p.Ala6fs; shifts the reading frame from alanine 6.
Molecular consequence: frameshift variant.
Genome position (GRCh38, 1-based): chr16:1,351,981, G duplicated; the last of 2 consecutive G bases (chr16:1,351,980-1,351,981); duplicating either gives the same sequence. VCF-style (leftmost placement, unchanged base first): chr16-1351979-T-TG. GRCh37 (hg19) VCF-style: chr16-1401980-T-TG.
Other names: short protein forms A6fs.
Identifiers: ClinVar variation 2917614 (VCV002917614.3), dbSNP rs2548185516, ClinGen allele CA2630965081.